The following is an entry in ClinVar:

NM_001242896.3(DEPDC5):c.3872G>A (p.Arg1291His)

Gene: DEPDC5 (DEP domain containing 5, GATOR1 subcomplex subunit; plus strand). Cytogenetic location: 22q12.3.
Variant type: single nucleotide variant.
Coding change: c.3872G>A on transcript NM_001242896.3 (MANE Select); coding-DNA position 3872, G replaced by A.
Protein change: p.Arg1291His; replaces arginine 1291 with histidine.
Molecular consequence: missense variant. On other transcripts: non-coding transcript variant (5).
Genome position (GRCh38, 1-based): chr22:31,879,591, G>A. VCF-style: chr22-31879591-G-A. GRCh37 (hg19) VCF-style: chr22-32275577-G-A.
Other names: c.3845G>A, p.Arg1282His (NM_001136029.4); c.3572G>A, p.Arg1191His (NM_001242897.2); c.3806G>A, p.Arg1269His (NM_001363852.2, NM_001364320.2); c.3638G>A, p.Arg1213His (NM_001363854.2, NM_001364319.2); c.3872G>A, p.Arg1291His (NM_001364318.2); c.3788G>A, p.Arg1263His (NM_001369901.1, NM_001369902.1); c.3779G>A, p.Arg1260His (NM_001369903.1, NM_014662.6); short protein forms R1191H, R1291H, R1260H, R1269H, R1263H, R1213H, R1282H.
Identifiers: ClinVar variation 521655 (VCV000521655.16), dbSNP rs759266712, ClinGen allele CA10197136.

ClinVar aggregate classification (germline): Uncertain significance. Review status: criteria provided, multiple submitters, no conflicts (2 of 4 stars). 3 submissions from 3 submitters: Uncertain significance (3). Last evaluated 2026-02-02.

Conditions:
Familial focal epilepsy with variable foci (FPEVF). Identifiers: Orphanet 98820, MedGen C1858477, MONDO:0020310.
Inborn genetic diseases. Identifiers: MedGen C0950123, MeSH D030342.

Allele frequency attached by ClinVar (database versions not stated): ExAC 0.00001; gnomAD 0.00001 and 0.00002; gnomAD exomes 0.00002; TOPMed 0.00003.
gnomAD v4.1: 35 of 1,613,606 alleles (0.0022%); highest among the groups gnomAD compares: South Asian, 0.0099%; no homozygotes.

Submissions (3):

Labcorp Genetics (formerly Invitae), Labcorp
Classification: Uncertain significance for Familial focal epilepsy with variable foci. Last evaluated: 2026-02-02. Review status: criteria provided, single submitter. Criteria: Invitae Variant Classification Sherloc (09022015). Collection method: clinical testing. Allele origin: germline.
Comment: This sequence change replaces arginine, which is basic and polar, with histidine, which is basic and polar, at codon 1291 of the DEPDC5 protein (p.Arg1291His). This variant is present in population databases (rs759266712, gnomAD 0.006%). This variant has not been reported in the literature in individuals affected with DEPDC5-related conditions. ClinVar contains an entry for this variant (Variation ID: 521655). Experimental studies and prediction algorithms are not available or were not evaluated, and the functional significance of this variant is currently unknown. In summary, the available evidence is currently insufficient to determine the role of this variant in disease. Therefore, it has been classified as a Variant of Uncertain Significance.

CeGaT Center for Human Genetics Tuebingen
Classification: Uncertain significance. Last evaluated: 2025-04-01. Review status: criteria provided, single submitter. Criteria: CeGaT Center For Human Genetics Tuebingen Variant Classification Criteria Version 2. Collection method: clinical testing. Allele origin: germline. Affected: yes. Observed: 1 variant allele.

Ambry Genetics
Classification: Uncertain significance for Inborn genetic diseases. Last evaluated: 2017-03-27. Review status: criteria provided, single submitter. Criteria: Ambry exome assertion method (8-5-2015). Collection method: clinical testing. Allele origin: germline. Affected: yes. Observed: 1 variant allele.